The following is an entry in ClinVar:

ClinVar aggregate classification (germline): Uncertain significance (1 of 4 stars; one submission).

Allele frequency attached by ClinVar (database versions not stated): gnomAD 0.00002; TOPMed 0.00002; ExAC 0.00003; gnomAD exomes 0.00004 and 0.00011.
gnomAD v4.1: 161 of 1,614,108 alleles (0.01%); highest among the groups gnomAD compares: Non-Finnish European, 0.013%; no homozygotes.

Submission:

Labcorp Genetics (formerly Invitae), Labcorp
Classification: Uncertain significance. Last evaluated: 2023-07-16. Review status: criteria provided, single submitter. Criteria: Invitae Variant Classification Sherloc (09022015). Collection method: clinical testing. Allele origin: germline.
Comment: Experimental studies and prediction algorithms are not available or were not evaluated, and the functional significance of this variant is currently unknown. ClinVar contains an entry for this variant (Variation ID: 1471261). This variant has not been reported in the literature in individuals affected with HTT-related conditions. This variant is present in population databases (rs766561678, gnomAD 0.006%). This sequence change replaces asparagine, which is neutral and polar, with serine, which is neutral and polar, at codon 1892 of the HTT protein (p.Asn1892Ser). In summary, the available evidence is currently insufficient to determine the role of this variant in disease. Therefore, it has been classified as a Variant of Uncertain Significance.

NM_001388492.1(HTT):c.5669A>G (p.Asn1890Ser)

Gene: HTT (huntingtin; plus strand). Cytogenetic location: 4p16.3.
Variant type: single nucleotide variant.
Coding change: c.5669A>G on transcript NM_001388492.1 (MANE Select); coding-DNA position 5669, A replaced by G.
Protein change: p.Asn1890Ser; replaces asparagine 1890 with serine.
Molecular consequence: missense variant.
Genome position (GRCh38, 1-based): chr4:3,204,099, A>G. VCF-style: chr4-3204099-A-G. GRCh37 (hg19) VCF-style: chr4-3205826-A-G.
Other names: c.5675A>G, p.Asn1892Ser (NM_002111.8); short protein forms N1890S, N1892S.
Identifiers: ClinVar variation 1471261 (VCV001471261.6), dbSNP rs766561678, ClinGen allele CA2824789.